The following is an entry in ClinVar:

ClinVar aggregate classification (germline): Uncertain significance. Review status: criteria provided, multiple submitters, no conflicts (2 of 4 stars). 3 submissions from 3 submitters: Uncertain significance (3). Last evaluated 2023-04-27.

Conditions:
Cardiovascular phenotype. Identifiers: MedGen CN230736.
Arrhythmogenic cardiomyopathy with wooly hair and keratoderma. Also called: Dilated cardiomyopathy with woolly hair and keratoderma; Arrhythmogenic cardiomyopathy with woolly hair and keratoderma; Carvajal syndrome; PALMOPLANTAR KERATODERMA WITH LEFT VENTRICULAR CARDIOMYOPATHY AND WOOLLY HAIR. Identifiers: Orphanet 65282, MedGen C1854063, MONDO:0011581, OMIM 605676.
Arrhythmogenic right ventricular dysplasia 8 (ARVD8). Also called: Arrhythmogenic Right Ventricular Dysplasia/Cardiomyopathy 8; ARRHYTHMOGENIC RIGHT VENTRICULAR CARDIOMYOPATHY 8; ARRHYTHMOGENIC RIGHT VENTRICULAR DYSPLASIA, FAMILIAL, 8. Identifiers: MedGen C1843896, MONDO:0011831, OMIM 607450.

Allele frequency attached by ClinVar (database versions not stated): gnomAD exomes below 0.00001.

Submissions (3):

All of Us Research Program, National Institutes of Health
Classification: Uncertain significance for Arrhythmogenic cardiomyopathy with wooly hair and keratoderma. Last evaluated: 2023-04-27. Review status: criteria provided, single submitter. Criteria: ACMG Guidelines, 2015. Collection method: clinical testing. Allele origin: germline. Inheritance: Autosomal dominant inheritance. Observed: 1 variant allele, 1 heterozygote.
Comment: This study involves interpretation of variants in research participants for the purpose of population health screening. Participant phenotype was not available at the time of variant classification. Additional details can be found in publication PMID: 35346344, PMCID: PMC8962531

Labcorp Genetics (formerly Invitae), Labcorp
Classification: Uncertain significance for Arrhythmogenic cardiomyopathy with wooly hair and keratoderma; Arrhythmogenic right ventricular dysplasia 8. Last evaluated: 2021-12-15. Review status: criteria provided, single submitter. Criteria: Invitae Variant Classification Sherloc (09022015). Collection method: clinical testing. Allele origin: germline.
Comment: This variant is not present in population databases (gnomAD no frequency). In summary, the available evidence is currently insufficient to determine the role of this variant in disease. Therefore, it has been classified as a Variant of Uncertain Significance. Algorithms developed to predict the effect of missense changes on protein structure and function are either unavailable or do not agree on the potential impact of this missense change (SIFT: "Deleterious"; PolyPhen-2: "Probably Damaging"; Align-GVGD: "Class C0"). ClinVar contains an entry for this variant (Variation ID: 661820). This variant has not been reported in the literature in individuals affected with DSP-related conditions. This sequence change replaces asparagine, which is neutral and polar, with serine, which is neutral and polar, at codon 12 of the DSP protein (p.Asn12Ser).

Ambry Genetics
Classification: Uncertain significance for Cardiovascular phenotype. Last evaluated: 2021-12-13. Review status: criteria provided, single submitter. Criteria: Ambry Variant Classification Scheme 2023. Collection method: clinical testing. Allele origin: germline.
Comment: The p.N12S variant (also known as c.35A>G), located in coding exon 1 of the DSP gene, results from an A to G substitution at nucleotide position 35. The asparagine at codon 12 is replaced by serine, an amino acid with highly similar properties. This amino acid position is conserved. In addition, this alteration is predicted to be tolerated by in silico analysis. Since supporting evidence is limited at this time, the clinical significance of this alteration remains unclear.

NM_004415.4(DSP):c.35A>G (p.Asn12Ser)

Genes: DSP (desmoplakin; plus strand), DSP-AS1 (DSP antisense RNA 1; minus strand). Cytogenetic location: 6p24.3.
Variant type: single nucleotide variant.
Coding change: c.35A>G on transcript NM_004415.4 (MANE Select); coding-DNA position 35, A replaced by G.
Protein change: p.Asn12Ser; replaces asparagine 12 with serine.
Molecular consequence: missense variant.
Genome position (GRCh38, 1-based): chr6:7,541,950, A>G. VCF-style: chr6-7541950-A-G. GRCh37 (hg19) VCF-style: chr6-7542183-A-G.
Other names: c.35A>G (LRG_423t1); c.35A>G, p.Asn12Ser (NM_001008844.3, NM_001319034.2); short protein forms N12S.
Identifiers: ClinVar variation 661820 (VCV000661820.10), dbSNP rs1239489755, ClinGen allele CA362675539.